The following is an entry in ClinVar:

NM_001365480.1(CCDC88A):c.2254G>A (p.Glu752Lys)

Gene: CCDC88A (coiled-coil and HOOK domain protein 88A; minus strand). Cytogenetic location: 2p16.1.
Variant type: single nucleotide variant.
Coding change: c.2254G>A on transcript NM_001365480.1 (MANE Select); coding-DNA position 2254, G replaced by A.
Protein change: p.Glu752Lys; replaces glutamic acid 752 with lysine.
Molecular consequence: missense variant.
Genome position (GRCh38, 1-based): chr2:55,334,567, C>T on the plus strand (G>A on the coding strand, the complement: CCDC88A is on the minus strand). VCF-style: chr2-55334567-C-T. GRCh37 (hg19) VCF-style: chr2-55561703-C-T.
Other names: c.2254G>A, p.Glu752Lys (NM_001135597.2, NM_001254943.2, NM_018084.5); short protein forms E752K.
Identifiers: ClinVar variation 2184142 (VCV002184142.4), dbSNP rs1685272022, ClinGen allele CA346900269.

ClinVar aggregate classification (germline): Uncertain significance (1 of 4 stars; one submission).

Submission:

Labcorp Genetics (formerly Invitae), Labcorp
Classification: Uncertain significance. Last evaluated: 2023-10-03. Review status: criteria provided, single submitter. Criteria: Invitae Variant Classification Sherloc (09022015). Collection method: clinical testing. Allele origin: germline.
Comment: This sequence change replaces glutamic acid, which is acidic and polar, with lysine, which is basic and polar, at codon 752 of the CCDC88A protein (p.Glu752Lys). This variant is not present in population databases (gnomAD no frequency). This variant has not been reported in the literature in individuals affected with CCDC88A-related conditions. ClinVar contains an entry for this variant (Variation ID: 2184142). An algorithm developed to predict the effect of missense changes on protein structure and function (PolyPhen-2) suggests that this variant is likely to be disruptive. In summary, the available evidence is currently insufficient to determine the role of this variant in disease. Therefore, it has been classified as a Variant of Uncertain Significance.